The following is an entry in ClinVar:

ClinVar aggregate classification (germline): Likely benign. Review status: criteria provided, multiple submitters, no conflicts (2 of 4 stars). 2 submissions from 2 submitters: Likely benign (2). Last evaluated 2026-02-02.

Allele frequency attached by ClinVar (database versions not stated): gnomAD 0.00001; gnomAD exomes 0.00001 and 0.00002; ExAC 0.00002; TOPMed 0.00002.
gnomAD v4.1: 25 of 1,613,262 alleles (0.0015%); highest among the groups gnomAD compares: East Asian, 0.022%; no homozygotes.

Submissions (2):

Labcorp Genetics (formerly Invitae), Labcorp
Classification: Likely benign. Last evaluated: 2026-02-02. Review status: criteria provided, single submitter. Criteria: Invitae Variant Classification Sherloc (09022015). Collection method: clinical testing. Allele origin: germline.

GeneDx
Classification: Likely benign. Last evaluated: 2017-09-18. Review status: criteria provided, single submitter. Criteria: GeneDx Variant Classification (06012015). Collection method: clinical testing. Allele origin: germline. Affected: yes.
Comment: This variant is considered likely benign or benign based on one or more of the following criteria: it is a conservative change, it occurs at a poorly conserved position in the protein, it is predicted to be benign by multiple in silico algorithms, and/or has population frequency not consistent with disease.

NM_004092.4(ECHS1):c.420C>T (p.Gly140=)

Gene: ECHS1 (enoyl-CoA hydratase, short chain 1; minus strand). Cytogenetic location: 10q26.3.
Variant type: single nucleotide variant.
Coding change: c.420C>T on transcript NM_004092.4 (MANE Select); coding-DNA position 420, C replaced by T.
Protein change: p.Gly140=; no amino-acid change (glycine 140 retained).
Molecular consequence: synonymous variant.
Genome position (GRCh38, 1-based): chr10:133,369,017, G>A on the plus strand (C>T on the coding strand, the complement: ECHS1 is on the minus strand). VCF-style: chr10-133369017-G-A. GRCh37 (hg19) VCF-style: chr10-135182521-G-A.
Identifiers: ClinVar variation 511826 (VCV000511826.3), dbSNP rs751113264, ClinGen allele CA5765772.